The following is an entry in ClinVar:

NM_021116.4(ADCY1):c.2655C>T (p.Asp885=)

Gene: ADCY1 (adenylate cyclase 1; plus strand). Cytogenetic location: 7p12.3.
Variant type: single nucleotide variant.
Coding change: c.2655C>T on transcript NM_021116.4 (MANE Select); coding-DNA position 2655, C replaced by T.
Protein change: p.Asp885=; no amino-acid change (aspartic acid 885 retained).
Molecular consequence: synonymous variant.
Genome position (GRCh38, 1-based): chr7:45,703,683, C>T. VCF-style: chr7-45703683-C-T. GRCh37 (hg19) VCF-style: chr7-45743282-C-T.
Other names: c.2655C>T (NM_021116.2).
Identifiers: ClinVar variation 3709646 (VCV003709646.3).
Genomic context (GRCh38, chr7:45,703,683, plus strand): 5'-CCAGGTGGGCGTCATGTTTGCCTCCATCCCCAACTTCAATGACTTCTACATCGAGCTGGA[C>T]GGCAACAACATGGGGGTGGAGTGTCTGCGGCTTCTCAACGAGATCATCGCCGACTTTGAC-3'
Protein context (NP_066939.1, residues 875-895): PNFNDFYIEL[Asp885=]GNNMGVECLR

ClinVar aggregate classification (germline): Likely benign. Review status: criteria provided, multiple submitters, no conflicts (2 of 4 stars). 2 submissions from 2 submitters: Likely benign (2). Last evaluated 2025-03-11.

Conditions:
ADCY1-related disorder. Also called: ADCY1-related condition.

gnomAD v4.1: 78 of 1,612,448 alleles (0.0048%); highest among the groups gnomAD compares: East Asian, 0.013%; no homozygotes.

Submissions (2):

PreventionGenetics, part of Exact Sciences
Classification: Likely benign for ADCY1-related condition. Last evaluated: 2025-03-11. Review status: criteria provided, single submitter. Criteria: ACMG Guidelines, 2015. Collection method: clinical testing. Allele origin: germline.
Comment: This variant is classified as likely benign based on ACMG/AMP sequence variant interpretation guidelines (Richards et al. 2015 PMID: 25741868, with internal and published modifications).

Labcorp Genetics (formerly Invitae), Labcorp
Classification: Likely benign. Last evaluated: 2024-10-24. Review status: criteria provided, single submitter. Criteria: Invitae Variant Classification Sherloc (09022015). Collection method: clinical testing. Allele origin: germline.